The following is an entry in ClinVar:

ClinVar aggregate classification (germline): Pathogenic. Review status: criteria provided, single submitter (1 of 4 stars). 2 submissions from 2 submitters: Pathogenic (1). 1 of the submissions does not count toward it. Last evaluated 2023-01-23.

Conditions:
Nephronophthisis 15 (NPHP15). Identifiers: Orphanet 3156, MedGen C3541853, MONDO:0013917, OMIM 614845.

Submissions (2):

Labcorp Genetics (formerly Invitae), Labcorp
Classification: Pathogenic for Nephronophthisis 15. Last evaluated: 2023-01-23. Review status: criteria provided, single submitter. Criteria: Invitae Variant Classification Sherloc (09022015). Collection method: clinical testing. Allele origin: germline.
Comment: This variant is not present in population databases (gnomAD no frequency). This sequence change creates a premature translational stop signal (p.Asp89Glufs*22) in the CEP164 gene. It is expected to result in an absent or disrupted protein product. Loss-of-function variants in CEP164 are known to be pathogenic (PMID: 22863007, 28125082, 32367404, 34132027, 34499853). This variant has not been reported in the literature in individuals affected with CEP164-related conditions. For these reasons, this variant has been classified as Pathogenic. ClinVar contains an entry for this variant (Variation ID: 591983).

Gharavi Laboratory, Columbia University
Classification: Uncertain significance. Last evaluated: 2018-09-16. Review status: no assertion criteria provided. Criteria: ACMG Guidelines, 2015. Collection method: research. Allele origin: germline. Affected: yes. Not counted in ClinVar's aggregate classification.

Literature cited by the submitters: PubMed 22863007 (cited by Labcorp Genetics (formerly Invitae), Labcorp); PubMed 28125082 (cited by Labcorp Genetics (formerly Invitae), Labcorp); PubMed 32367404 (cited by Labcorp Genetics (formerly Invitae), Labcorp); PubMed 34132027 (cited by Labcorp Genetics (formerly Invitae), Labcorp); PubMed 34499853 (cited by Labcorp Genetics (formerly Invitae), Labcorp).

NM_014956.5(CEP164):c.266dup (p.Asp89fs)

Gene: CEP164 (centrosomal protein 164; plus strand). Cytogenetic location: 11q23.3.
Variant type: Duplication.
Coding change: c.266dup on transcript NM_014956.5 (MANE Select); coding-DNA position 266, one base duplicated (A; older notation c.266dupA).
Protein change: p.Asp89fs; shifts the reading frame from aspartic acid 89.
Molecular consequence: frameshift variant.
Genome position (GRCh38, 1-based): chr11:117,351,861, A duplicated. VCF-style (leftmost placement, unchanged base first): chr11-117351860-G-GA. GRCh37 (hg19) VCF-style: chr11-117222576-G-GA.
Other names: c.266dup, p.Asp89fs (NM_001271933.2); short protein forms D89fs.
Identifiers: ClinVar variation 591983 (VCV000591983.4), dbSNP rs1565454034, ClinGen allele CA891862852.